The following is an entry in ClinVar:

ClinVar aggregate classification (germline): Uncertain significance (1 of 4 stars; one submission).

Conditions:
Hereditary cancer-predisposing syndrome. Also called: Tumor predisposition; Neoplastic Syndromes, Hereditary; Hereditary Cancer Syndrome; Hereditary neoplastic syndrome. Identifiers: Orphanet 140162, MedGen C0027672, MeSH D009386, MONDO:0015356.

Submission:

Ambry Genetics
Classification: Uncertain significance for Hereditary cancer-predisposing syndrome. Last evaluated: 2019-06-27. Review status: criteria provided, single submitter. Criteria: Ambry Variant Classification Scheme 2023. Collection method: clinical testing. Allele origin: germline.
Comment: The p.F2799I variant (also known as c.8395T>A), located in coding exon 56 of the ATM gene, results from a T to A substitution at nucleotide position 8395. The phenylalanine at codon 2799 is replaced by isoleucine, an amino acid with highly similar properties. This amino acid position is poorly conserved in available vertebrate species. In addition, this alteration is predicted to be tolerated by in silico analysis. Since supporting evidence is limited at this time, the clinical significance of this alteration remains unclear.

NM_000051.4(ATM):c.8395T>A (p.Phe2799Ile)

Genes: ATM (ATM serine/threonine kinase; plus strand), C11orf65 (chromosome 11 open reading frame 65; minus strand). Cytogenetic location: 11q22.3.
Variant type: single nucleotide variant.
Coding change: c.8395T>A on transcript NM_000051.4 (MANE Select); coding-DNA position 8395, T replaced by A.
Protein change: p.Phe2799Ile; replaces phenylalanine 2799 with isoleucine.
Molecular consequence: missense variant. On other transcripts: intron variant (2).
Genome position (GRCh38, 1-based): chr11:108,343,348, T>A. VCF-style: chr11-108343348-T-A. GRCh37 (hg19) VCF-style: chr11-108214075-T-A.
Other names: c.8395T>A, p.Phe2799Ile (NM_001351834.2); c.641-34277A>T (NM_001330368.2); c.695-8056A>T (NM_001351110.2); short protein forms F2799I.
Identifiers: ClinVar variation 822374 (VCV000822374.6), dbSNP rs730881323, ClinGen allele CA382516654.
Genomic context (GRCh38, chr11:108,343,348, plus strand): 5'-TTTCTTGTTAACAATGAAGATGGTGCTCATAAAAGATACAGGCCAAATGATTTCAGTGCC[T>A]TTCAGTGCCAAAAGAAAATGATGGTGAGTGACACCCAAAATTAAAGGTTATTGTAAGATT-3'
Protein context (NP_000042.3, residues 2789-2809): KRYRPNDFSA[Phe2799Ile]QCQKKMMEVQ